The following is an entry in ClinVar:

ClinVar aggregate classification (germline): Uncertain significance. Review status: criteria provided, multiple submitters, no conflicts (2 of 4 stars). 2 submissions from 2 submitters: Uncertain significance (2). Last evaluated 2024-02-08.

Allele frequency attached by ClinVar (database versions not stated): TOPMed below 0.00001; gnomAD 0.00001; ExAC 0.00002; 1000 Genomes Project 0.00020; 1000 Genomes Project 30x 0.00031.
gnomAD v4.1: 5 of 1,614,106 alleles (0.00031%); highest among the groups gnomAD compares: South Asian, 0.0055%; no homozygotes.

Submissions (2):

Labcorp Genetics (formerly Invitae), Labcorp
Classification: Uncertain significance. Last evaluated: 2024-02-08. Review status: criteria provided, single submitter. Criteria: Invitae Variant Classification Sherloc (09022015). Collection method: clinical testing. Allele origin: germline.
Comment: This sequence change replaces aspartic acid, which is acidic and polar, with asparagine, which is neutral and polar, at codon 1897 of the CACNA1D protein (p.Asp1897Asn). This variant is present in population databases (rs547120247, gnomAD 0.006%). This variant has not been reported in the literature in individuals affected with CACNA1D-related conditions. An algorithm developed to predict the effect of missense changes on protein structure and function (PolyPhen-2) suggests that this variant is likely to be tolerated. In summary, the available evidence is currently insufficient to determine the role of this variant in disease. Therefore, it has been classified as a Variant of Uncertain Significance.

Women's Health and Genetics/Laboratory Corporation of America, LabCorp
Classification: Uncertain significance. Last evaluated: 2023-11-02. Review status: criteria provided, single submitter. Criteria: LabCorp Variant Classification Summary - May 2015. Collection method: clinical testing. Allele origin: germline.
Comment: Variant summary: CACNA1D c.5689G>A (p.Asp1897Asn) results in a conservative amino acid change in the encoded protein sequence. Four of five in-silico tools predict a benign effect of the variant on protein function. The variant allele was found at a frequency of 8e-06 in 251480 control chromosomes. The available data on variant occurrences in the general population are insufficient to allow any conclusion about variant significance. To our knowledge, no occurrence of c.5689G>A in individuals affected with Sinoatrial Node Dysfunction And Deafness and no experimental evidence demonstrating its impact on protein function have been reported. No submitters have cited clinical-significance assessments for this variant to ClinVar after 2014. Based on the evidence outlined above, the variant was classified as uncertain significance.

NM_001128840.3(CACNA1D):c.5629G>A (p.Asp1877Asn)

Gene: CACNA1D (calcium voltage-gated channel subunit alpha1 D; plus strand). Cytogenetic location: 3p21.1.
Variant type: single nucleotide variant.
Coding change: c.5629G>A on transcript NM_001128840.3 (MANE Select); coding-DNA position 5629, G replaced by A.
Protein change: p.Asp1877Asn; replaces aspartic acid 1877 with asparagine.
Molecular consequence: missense variant.
Genome position (GRCh38, 1-based): chr3:53,805,026, G>A. VCF-style: chr3-53805026-G-A. GRCh37 (hg19) VCF-style: chr3-53839053-G-A.
Other names: c.5689G>A, p.Asp1897Asn (NM_000720.4); c.5557G>A, p.Asp1853Asn (NM_001128839.3); short protein forms D1853N, D1877N, D1897N.
Identifiers: ClinVar variation 2682502 (VCV002682502.3), dbSNP rs547120247, ClinGen allele CA2455207.